The following is an entry in ClinVar:

ClinVar aggregate classification (germline): Pathogenic (1 of 4 stars; one submission).

Submission:

Labcorp Genetics (formerly Invitae), Labcorp
Classification: Pathogenic. Last evaluated: 2020-11-04. Review status: criteria provided, single submitter. Criteria: Invitae Variant Classification Sherloc (09022015). Collection method: clinical testing. Allele origin: germline.
Comment: This sequence change creates a premature translational stop signal (p.Arg1756Glufs*9) in the CPLANE1 gene. It is expected to result in an absent or disrupted protein product. Loss-of-function variants in CPLANE1 are known to be pathogenic (PMID: 24178751, 26092869). This variant is not present in population databases (ExAC no frequency). This variant has not been reported in the literature in individuals with CPLANE1-related conditions. For these reasons, this variant has been classified as Pathogenic.

Literature cited by the submitters: PubMed 24178751; PubMed 26092869.

NM_001384732.1(CPLANE1):c.5266del (p.Arg1756fs)

Gene: CPLANE1 (ciliogenesis and planar polarity effector complex subunit 1; minus strand). Cytogenetic location: 5p13.2.
Variant type: Deletion.
Coding change: c.5266del on transcript NM_001384732.1 (MANE Select); coding-DNA position 5266, one base deleted (A; older notation c.5266delA).
Protein change: p.Arg1756fs; shifts the reading frame from arginine 1756.
Molecular consequence: frameshift variant.
Genome position (GRCh38, 1-based): chr5:37,182,915, T deleted on the plus strand (A on the coding strand, the reverse complement: CPLANE1 is on the minus strand). VCF-style (leftmost placement, unchanged base first): chr5-37182914-CT-C. GRCh37 (hg19) VCF-style: chr5-37183016-CT-C.
Other names: c.5266del, p.Arg1756fs (NM_023073.4); short protein forms R1756fs.
Identifiers: ClinVar variation 1438014 (VCV001438014.6), dbSNP rs2151146681, ClinGen allele CA2573139644.